The following is an entry in ClinVar:

ClinVar aggregate classification (germline): Uncertain significance. Review status: criteria provided, multiple submitters, no conflicts (2 of 4 stars). 3 submissions from 3 submitters: Uncertain significance (3). Last evaluated 2026-02-19.

Conditions:
Inborn genetic diseases. Identifiers: MedGen C0950123, MeSH D030342.

gnomAD v4.1: 1 of 1,613,846 alleles (0.000062%); highest among the groups gnomAD compares: Non-Finnish European, 0.000085%; no homozygotes.

Submissions (3):

Ambry Genetics
Classification: Uncertain significance for Inborn genetic diseases. Last evaluated: 2026-02-19. Review status: criteria provided, single submitter. Criteria: Ambry Variant Classification Scheme 2023. Collection method: clinical testing. Allele origin: germline.
Comment: The p.A418S variant (also known as c.1252G>T), located in coding exon 9 of the CDH2 gene, results from a G to T substitution at nucleotide position 1252. The alanine at codon 418 is replaced by serine, an amino acid with similar properties. This amino acid position is conserved. In addition, the in silico prediction for this alteration is inconclusive. Based on the available evidence, the clinical significance of this variant remains unclear.

Labcorp Genetics (formerly Invitae), Labcorp
Classification: Uncertain significance. Last evaluated: 2025-01-11. Review status: criteria provided, single submitter. Criteria: Invitae Variant Classification Sherloc (09022015). Collection method: clinical testing. Allele origin: germline.
Comment: This sequence change replaces alanine, which is neutral and non-polar, with serine, which is neutral and polar, at codon 418 of the CDH2 protein (p.Ala418Ser). This variant is not present in population databases (gnomAD no frequency). This variant has not been reported in the literature in individuals affected with CDH2-related conditions. ClinVar contains an entry for this variant (Variation ID: 1956999). An algorithm developed to predict the effect of missense changes on protein structure and function (PolyPhen-2) suggests that this variant is likely to be disruptive. In summary, the available evidence is currently insufficient to determine the role of this variant in disease. Therefore, it has been classified as a Variant of Uncertain Significance.

GeneDx
Classification: Uncertain significance. Last evaluated: 2024-02-12. Review status: criteria provided, single submitter. Criteria: GeneDx Variant Classification Process June 2021. Collection method: clinical testing. Allele origin: germline. Affected: yes.
Comment: Not observed at significant frequency in large population cohorts (gnomAD); In silico analysis supports that this missense variant has a deleterious effect on protein structure/function; Has not been previously published as pathogenic or benign to our knowledge

NM_001792.5(CDH2):c.1252G>T (p.Ala418Ser)

Gene: CDH2 (cadherin 2; minus strand). Cytogenetic location: 18q12.1.
Variant type: single nucleotide variant.
Coding change: c.1252G>T on transcript NM_001792.5 (MANE Select); coding-DNA position 1252, G replaced by T.
Protein change: p.Ala418Ser; replaces alanine 418 with serine.
Molecular consequence: missense variant.
Genome position (GRCh38, 1-based): chr18:27,992,747, C>A on the plus strand (G>T on the coding strand, the complement: CDH2 is on the minus strand). VCF-style: chr18-27992747-C-A. GRCh37 (hg19) VCF-style: chr18-25572711-C-A.
Other names: c.1252G>T (NM_001792.3, NM_001792.4); c.1159G>T, p.Ala387Ser (NM_001308176.2); short protein forms A387S, A418S.
Identifiers: ClinVar variation 1956999 (VCV001956999.8), dbSNP rs200263846, ClinGen allele CA402110111.